The following is an entry in ClinVar:

ClinVar aggregate classification (germline): Pathogenic (1 of 4 stars; one submission).

Submission:

Labcorp Genetics (formerly Invitae), Labcorp
Classification: Pathogenic. Last evaluated: 2023-02-27. Review status: criteria provided, single submitter. Criteria: Invitae Variant Classification Sherloc (09022015). Collection method: clinical testing. Allele origin: unknown.
Comment: This variant is a gross deletion of the genomic region encompassing exon(s) 9-15 of the COL4A1 gene. This variant would be expected to be in-frame, preserving the integrity of the reading frame. This variant has not been reported in the literature in individuals affected with COL4A1-related conditions. This variant disrupts the triple helix domain of COL4A1. Glycine residues within the Gly-Xaa-Yaa repeats of the triple helix domain are required for the structure and stability of fibrillar collagens (PMID: 7695699, 8218237, 19344236). In COL4A1 variants affecting these glycine residues are significantly enriched in individuals with disease (PMID: 9016532, 17078022) compared to the general population (ExAC). For these reasons, this variant has been classified as Pathogenic.

Literature cited by the submitters: PubMed 7695699; PubMed 8218237; PubMed 19344236; PubMed 9016532; PubMed 17078022.

NC_000013.10:g.(?_110858992)_(110862579_?)del

Gene: COL4A1 (collagen type IV alpha 1 chain; minus strand). Cytogenetic location: 13q34.
Variant type: Deletion.
Identifiers: ClinVar variation 3244206 (VCV003244206.1).